The following is an entry in ClinVar:

ClinVar aggregate classification (germline): Uncertain significance (1 of 4 stars; one submission).

Conditions:
Primary ciliary dyskinesia. Also called: Ciliary dyskinesia. Identifiers: Orphanet 244, MedGen C0008780, MONDO:0016575, HP:0012265.

Submission:

Labcorp Genetics (formerly Invitae), Labcorp
Classification: Uncertain significance for Primary ciliary dyskinesia. Last evaluated: 2019-07-01. Review status: criteria provided, single submitter. Criteria: Invitae Variant Classification Sherloc (09022015). Collection method: clinical testing. Allele origin: germline.
Comment: This sequence change replaces glycine with valine at codon 460 of the DNAAF1 protein (p.Gly460Val). The glycine residue is weakly conserved and there is a moderate physicochemical difference between glycine and valine. This variant is not present in population databases (ExAC no frequency). This variant has not been reported in the literature in individuals with DNAAF1-related conditions. Algorithms developed to predict the effect of missense changes on protein structure and function (SIFT, PolyPhen-2, Align-GVGD) all suggest that this variant is likely to be tolerated, but these predictions have not been confirmed by published functional studies and their clinical significance is uncertain. In summary, the available evidence is currently insufficient to determine the role of this variant in disease. Therefore, it has been classified as a Variant of Uncertain Significance.

NM_178452.6(DNAAF1):c.1379G>T (p.Gly460Val)

Gene: DNAAF1 (dynein axonemal assembly factor 1; plus strand). Cytogenetic location: 16q24.1.
Variant type: single nucleotide variant.
Coding change: c.1379G>T on transcript NM_178452.6 (MANE Select); coding-DNA position 1379, G replaced by T.
Protein change: p.Gly460Val; replaces glycine 460 with valine.
Molecular consequence: missense variant.
Genome position (GRCh38, 1-based): chr16:84,170,207, G>T. VCF-style: chr16-84170207-G-T. GRCh37 (hg19) VCF-style: chr16-84203813-G-T.
Other names: c.671G>T, p.Gly224Val (NM_001318756.1); short protein forms G460V, G224V.
Identifiers: ClinVar variation 948515 (VCV000948515.1), dbSNP rs2088254831, ClinGen allele CA396948327.